The following is an entry in ClinVar:

NM_005732.4(RAD50):c.1249G>A (p.Asp417Asn)

Gene: RAD50 (RAD50 double strand break repair protein; plus strand). Cytogenetic location: 5q31.1.
Variant type: single nucleotide variant.
Coding change: c.1249G>A on transcript NM_005732.4 (MANE Select); coding-DNA position 1249, G replaced by A.
Protein change: p.Asp417Asn; replaces aspartic acid 417 with asparagine.
Molecular consequence: missense variant.
Genome position (GRCh38, 1-based): chr5:132,589,634, G>A. VCF-style: chr5-132589634-G-A. GRCh37 (hg19) VCF-style: chr5-131925326-G-A.
Other names: short protein forms D417N.
Identifiers: ClinVar variation 4149752 (VCV004149752.1).

ClinVar aggregate classification (germline): Uncertain significance (1 of 4 stars; one submission).

Conditions:
Hereditary cancer-predisposing syndrome. Also called: Hereditary neoplastic syndrome; Neoplastic Syndromes, Hereditary; Tumor predisposition; Hereditary Cancer Syndrome. Identifiers: Orphanet 140162, MedGen C0027672, MeSH D009386, MONDO:0015356.

gnomAD v4.1: 1 of 1,576,590 alleles (0.000063%); highest among the groups gnomAD compares: South Asian, 0.0012%; no homozygotes.

Submission:

Ambry Genetics
Classification: Uncertain significance for Hereditary cancer-predisposing syndrome. Last evaluated: 2025-09-14. Review status: criteria provided, single submitter. Criteria: Ambry Variant Classification Scheme 2023. Collection method: clinical testing. Allele origin: germline.
Comment: The p.D417N variant (also known as c.1249G>A), located in coding exon 9 of the RAD50 gene, results from a G to A substitution at nucleotide position 1249. The aspartic acid at codon 417 is replaced by asparagine, an amino acid with highly similar properties. This amino acid position is conserved. In addition, this alteration is predicted to be tolerated by in silico analysis. Based on the available evidence, the clinical significance of this variant remains unclear.